The following is an entry in ClinVar:

ClinVar aggregate classification (germline): Benign. Review status: criteria provided, multiple submitters, no conflicts (2 of 4 stars). 5 submissions from 5 submitters: Benign (5). Last evaluated 2026-01-25.

Conditions:
Autosomal recessive limb-girdle muscular dystrophy type R18 (LGMDR18). Also called: Limb-girdle muscular dystrophy, type 2S; MUSCULAR DYSTROPHY, LIMB-GIRDLE, AUTOSOMAL RECESSIVE 18; Autosomal recessive limb-girdle muscular dystrophy type 2S. Identifiers: Orphanet 369840, MedGen C4517996, MONDO:0014144, OMIM 615356.

Allele frequency attached by ClinVar (database versions not stated): gnomAD exomes 0.00039 and 0.00114; ExAC 0.00150; gnomAD 0.00452 and 0.00474; TOPMed 0.00497; ESP Exome Variant Server 0.00654; 1000 Genomes Project 30x 0.00671; 1000 Genomes Project 0.00699.
gnomAD v4.1: 1,271 of 1,614,100 alleles (0.079%); highest among the groups gnomAD compares: African/African-American, 1.5%; 11 homozygotes.

Submissions (5):

Labcorp Genetics (formerly Invitae), Labcorp
Classification: Benign for Autosomal recessive limb-girdle muscular dystrophy type R18. Last evaluated: 2026-01-25. Review status: criteria provided, single submitter. Criteria: Invitae Variant Classification Sherloc (09022015). Collection method: clinical testing. Allele origin: germline.

Mayo Clinic Laboratories, Mayo Clinic
Classification: Benign. Last evaluated: 2020-11-09. Review status: criteria provided, single submitter. Criteria: ACMG Guidelines, 2015. Collection method: clinical testing. Allele origin: germline. Observed: 4 variant alleles.

Athena Diagnostics
Classification: Benign. Last evaluated: 2018-10-30. Review status: criteria provided, single submitter. Criteria: Athena Diagnostics Criteria. Collection method: clinical testing. Allele origin: germline.

GeneDx
Classification: Benign. Last evaluated: 2018-10-30. Review status: criteria provided, single submitter. Criteria: GeneDx Variant Classification Process June 2021. Collection method: clinical testing. Allele origin: germline. Affected: yes.
Comment: This variant is associated with the following publications: (PMID: 29855340, 27862579)

Breakthrough Genomics
Classification: Benign. Review status: criteria provided, single submitter. Criteria: ACMG Guidelines, 2015. Collection method: not provided. Allele origin: germline. Inheritance: Autosomal recessive inheritance. Affected: yes.

Literature cited by the submitters: PubMed 27862579 (cited by Athena Diagnostics).

NM_021942.6(TRAPPC11):c.3310A>G (p.Thr1104Ala)

Gene: TRAPPC11 (trafficking protein particle complex subunit 11; plus strand). Cytogenetic location: 4q35.1.
Variant type: single nucleotide variant.
Coding change: c.3310A>G on transcript NM_021942.6 (MANE Select); coding-DNA position 3310, A replaced by G.
Protein change: p.Thr1104Ala; replaces threonine 1104 with alanine.
Molecular consequence: missense variant. On other transcripts: intron variant (1).
Genome position (GRCh38, 1-based): chr4:183,708,527, A>G. VCF-style: chr4-183708527-A-G. GRCh37 (hg19) VCF-style: chr4-184629680-A-G.
Other names: p.Thr1104Ala; c.3200-9A>G (NM_199053.3); short protein forms T1104A.
Identifiers: ClinVar variation 474355 (VCV000474355.18), dbSNP rs78663235, ClinGen allele CA3152497.